The following is an entry in ClinVar:

ClinVar aggregate classification (germline): Uncertain significance. Review status: criteria provided, multiple submitters, no conflicts (2 of 4 stars). 5 submissions from 5 submitters: Uncertain significance (4). 1 of the submissions does not count toward it. Last evaluated 2024-11-27.

Conditions:
Hereditary cancer-predisposing syndrome. Also called: Tumor predisposition; Hereditary neoplastic syndrome; Neoplastic Syndromes, Hereditary; Hereditary Cancer Syndrome. Identifiers: Orphanet 140162, MedGen C0027672, MeSH D009386, MONDO:0015356.
Fanconi anemia complementation group J. Also called: BRIP1-Related Fanconi Anemia. Identifiers: Orphanet 84, MedGen C1836860, MONDO:0012187, OMIM 609054.
Familial cancer of breast. Also called: BREAST CANCER, FAMILIAL; hereditary breast carcinoma; Hereditary breast cancer. Identifiers: Orphanet 227535, MedGen C0346153, MONDO:0016419, OMIM 114480. Disease mechanism: loss of function.
Familial ovarian cancer. Identifiers: MedGen C5679802, MONDO:0016248.
Colorectal cancer. Also called: Malignant Colorectal Neoplasm; Colorectal cancer, somatic. Identifiers: MedGen C0346629, MONDO:0005575, OMIM 114500.

Allele frequency attached by ClinVar (database versions not stated): gnomAD exomes below 0.00001.

Submissions (5):

Department of Pathology and Laboratory Medicine, Sinai Health System
Classification: Uncertain significance for familial ovarian cancer. Last evaluated: 2024-11-27. Review status: criteria provided, single submitter. Criteria: ACMG Guidelines, 2015. Collection method: clinical testing. Allele origin: germline.

Labcorp Genetics (formerly Invitae), Labcorp
Classification: Uncertain significance for Familial cancer of breast; Fanconi anemia complementation group J. Last evaluated: 2024-10-23. Review status: criteria provided, single submitter. Criteria: Invitae Variant Classification Sherloc (09022015). Collection method: clinical testing. Allele origin: germline.
Comment: This variant, c.3481_3489dup, results in the insertion of 3 amino acid(s) of the BRIP1 protein (p.Asn1161_Asp1163dup), but otherwise preserves the integrity of the reading frame. This variant is not present in population databases (gnomAD no frequency). This variant has been observed in individual(s) with colorectal cancer (PMID: 30809968). ClinVar contains an entry for this variant (Variation ID: 929542). In summary, the available evidence is currently insufficient to determine the role of this variant in disease. Therefore, it has been classified as a Variant of Uncertain Significance.

Ambry Genetics
Classification: Uncertain significance for Hereditary cancer-predisposing syndrome. Last evaluated: 2024-06-21. Review status: criteria provided, single submitter. Criteria: Ambry Variant Classification Scheme 2023. Collection method: clinical testing. Allele origin: germline.
Comment: The c.3481_3489dupAATTCAGAT variant (also known as p.N1161_D1163dup), located in coding exon 19 of the BRIP1 gene, results from an in-frame duplication of AATTCAGAT at nucleotide positions 3481 to 3489. This results in the duplication of 3 extra residues (NSD) between codons 1161 and 1163. This amino acid region is well conserved in available vertebrate species. In addition, this alteration is predicted to be neutral by in silico analysis (Choi Y et al. PLoS ONE. 2012; 7(10):e46688). Based on the available evidence, the clinical significance of this variant remains unclear.

Breakthrough Genomics
Classification: Uncertain significance. Review status: criteria provided, single submitter. Criteria: ACMG Guidelines, 2015. Collection method: not provided. Allele origin: germline. Inheritance: Autosomal dominant inheritance. Affected: yes.

Leiden Open Variation Database
Classification: Pathogenic for Colorectal cancer. Last evaluated: 2018-06-21. Review status: no assertion criteria provided. Collection method: curation. Allele origin: germline. Affected: yes. Not counted in ClinVar's aggregate classification.
Comment: Curator: Arleen D. Auerbach. Submitter to LOVD: Jessada Thutkawkorapin. Comment: Variant observed de novo.

Literature cited by the submitters: PubMed 30809968 (cited by Department of Pathology and Laboratory Medicine, Sinai Health System and Labcorp Genetics (formerly Invitae), Labcorp).

NM_032043.3(BRIP1):c.3481_3489dup (p.Asn1161_Asp1163dup)

Gene: BRIP1 (BRCA1 interacting DNA helicase 1; minus strand). Cytogenetic location: 17q23.2.
Variant type: Duplication.
Coding change: c.3481_3489dup on transcript NM_032043.3 (MANE Select); coding-DNA positions 3481 to 3489, 9 bases duplicated (AATTCAGAT; older notation c.3481_3489dupAATTCAGAT).
Protein change: p.Asn1161_Asp1163dup.
Molecular consequence: inframe insertion.
Genome position (GRCh38, 1-based): chr17:61,683,557-61,683,565, ATCTGAATT duplicated on the plus strand (AATTCAGAT on the coding strand, the reverse complement: BRIP1 is on the minus strand). VCF-style (leftmost placement, unchanged base first): chr17-61683556-A-AATCTGAATT. GRCh37 (hg19) VCF-style: chr17-59760917-A-AATCTGAATT.
Other names: c.3481_3489dupAATTCAGAT (NM_032043.2).
Identifiers: ClinVar variation 929542 (VCV000929542.13), dbSNP rs2061304922, ClinGen allele CA1139665742.
Genomic context (GRCh38, chr17:61,683,556, plus strand): 5'-CTCTGGCTGAATCTACTTCTTTTATAGTTCTAATTTCAAAAAGGTCTTTAGCTAAAATGC[A>AATCTGAATT]ATCTGAATTGTTAGCCAATCTATTTCCTCTATCAGTTTCAGCTAGGTCATTTTTTTCTTC-3'